The following is an entry in ClinVar:

NM_001144967.3(NEDD4L):c.813+5G>A

Gene: NEDD4L (NEDD4 like E3 ubiquitin protein ligase; plus strand). Cytogenetic location: 18q21.31.
Variant type: single nucleotide variant.
Coding change: c.813+5G>A on transcript NM_001144967.3 (MANE Select); 5 bases into the intron after coding-DNA position 813, G replaced by A.
Molecular consequence: intron variant.
Genome position (GRCh38, 1-based): chr18:58,329,132, G>A. VCF-style: chr18-58329132-G-A. GRCh37 (hg19) VCF-style: chr18-55996364-G-A.
Other names: c.813+5G>A (NM_015277.6, NM_001243960.2); c.450+5G>A (NM_001144964.1, NM_001144971.2, NM_001144965.2 and 2 more transcripts); c.789+5G>A (NM_001144968.2, NM_001144969.2).
Identifiers: ClinVar variation 417006 (VCV000417006.21), dbSNP rs199959002, ClinGen allele CA8975472.

ClinVar aggregate classification (germline): Benign/Likely benign. Review status: criteria provided, multiple submitters, no conflicts (2 of 4 stars). 6 submissions from 6 submitters: Benign (1); Likely benign (4). 1 of the submissions does not count toward it. Last evaluated 2026-01-28.

Conditions:
Periventricular nodular heterotopia 7 (PVNH7). Identifiers: MedGen C4310669, MONDO:0014966, OMIM 617201.
NEDD4L-related disorder. Also called: NEDD4L-related condition.

Allele frequency attached by ClinVar (database versions not stated): gnomAD exomes 0.00026 and 0.00057; ESP Exome Variant Server 0.00065; ExAC 0.00069; gnomAD 0.00091; 1000 Genomes Project 30x 0.00109; TOPMed 0.00111; 1000 Genomes Project 0.00140.
gnomAD v4.1: 529 of 1,613,504 alleles (0.033%); highest among the groups gnomAD compares: African/African-American, 0.31%; 1 homozygote.

Submissions (7):

Labcorp Genetics (formerly Invitae), Labcorp
Classification: Likely benign. Last evaluated: 2026-01-28. Review status: criteria provided, single submitter. Criteria: Invitae Variant Classification Sherloc (09022015). Collection method: clinical testing. Allele origin: germline.

Blueprint Genetics
Classification: Likely benign. Last evaluated: 2024-10-23. Review status: criteria provided, single submitter. Criteria: ACMG Guidelines, 2015. Collection method: clinical testing. Allele origin: germline.

Fulgent Genetics
Classification: Likely benign for Periventricular nodular heterotopia 7. Last evaluated: 2021-09-13. Review status: criteria provided, single submitter. Criteria: ACMG Guidelines, 2015. Collection method: clinical testing. Allele origin: unknown.

GeneDx
Classification: Benign. Last evaluated: 2020-02-10. Review status: criteria provided, single submitter. Criteria: GeneDx Variant Classification Process June 2021. Collection method: clinical testing. Allele origin: germline. Affected: yes.

Breakthrough Genomics
Classification: Likely benign. Review status: criteria provided, single submitter. Criteria: ACMG Guidelines, 2015. Collection method: not provided. Allele origin: germline. Inheritance: Autosomal dominant inheritance. Affected: yes.

PreventionGenetics, part of Exact Sciences
Classification: Likely benign for NEDD4L-related condition. Last evaluated: 2019-07-12. Review status: no assertion criteria provided. Collection method: clinical testing. Allele origin: germline. Not counted in ClinVar's aggregate classification.
Comment: This variant is classified as likely benign based on ACMG/AMP sequence variant interpretation guidelines (Richards et al. 2015 PMID: 25741868, with internal and published modifications).

Dr. Peter K. Rogan Lab, Western University
No classification provided (evidence only). Condition: Nonpapillary renal cell carcinoma. Review status: no classification provided. Collection method: in vitro. Allele origin: not applicable. Functional consequence: retained intron. Not counted in ClinVar's aggregate classification.